The following is an entry in ClinVar:

ClinVar aggregate classification (germline): Uncertain significance (1 of 4 stars; one submission).

Conditions:
Charcot-Marie-Tooth disease type 4A. Also called: Charcot-Marie-Tooth disease, demyelinating, autosomal recessive, type 4a. Identifiers: Orphanet 99948, MedGen C1859198, MONDO:0008961, OMIM 214400.

Submission:

Labcorp Genetics (formerly Invitae), Labcorp
Classification: Uncertain significance for Charcot-Marie-Tooth disease type 4A. Last evaluated: 2024-01-11. Review status: criteria provided, single submitter. Criteria: Invitae Variant Classification Sherloc (09022015). Collection method: clinical testing. Allele origin: unknown.
Comment: This variant results in a copy number gain of the genomic region encompassing exon(s) 1-2 of the GDAP1 gene. This region includes the initiator codon of the gene. This copy number gain extends beyond the assayed region for this gene and therefore may encompass additional genes. As the precise location of this event is unknown, it may be in tandem or it may be located elsewhere in the genome. This variant has not been reported in the literature in individuals affected with GDAP1-related conditions. In summary, the available evidence is currently insufficient to determine the role of this variant in disease. Therefore, it has been classified as a Variant of Uncertain Significance.

NC_000008.10:g.(?_75262697)_(75263721_?)dup

Gene: GDAP1 (ganglioside induced differentiation associated protein 1; plus strand). Cytogenetic location: 8q21.11.
Variant type: Duplication.
Identifiers: ClinVar variation 3245508 (VCV003245508.1).